The following is an entry in ClinVar:

ClinVar aggregate classification (germline): Uncertain significance. Review status: criteria provided, multiple submitters, no conflicts (2 of 4 stars). 5 submissions from 5 submitters: Uncertain significance (5). Last evaluated 2025-12-01.

Conditions:
Cardiovascular phenotype. Identifiers: MedGen CN230736.
Dilated cardiomyopathy 1JJ (CMD1JJ). Identifiers: Orphanet 154, MedGen C3808935, MONDO:0014095, OMIM 615235.

Allele frequency attached by ClinVar (database versions not stated): gnomAD exomes 0.00002; ExAC 0.00003; TOPMed 0.00003; ESP Exome Variant Server 0.00008.
gnomAD v4.1: 49 of 1,586,546 alleles (0.0031%); highest among the groups gnomAD compares: Middle Eastern, 0.12%; no homozygotes.

Submissions (5):

Ambry Genetics
Classification: Uncertain significance for Cardiovascular phenotype. Last evaluated: 2025-12-01. Review status: criteria provided, single submitter. Criteria: Ambry Variant Classification Scheme 2023. Collection method: clinical testing. Allele origin: germline.
Comment: The p.S678F variant (also known as c.2033C>T), located in coding exon 15 of the LAMA4 gene, results from a C to T substitution at nucleotide position 2033. The serine at codon 678 is replaced by phenylalanine, an amino acid with highly dissimilar properties. This amino acid position is well conserved in available vertebrate species. In addition, this alteration is predicted to be tolerated by in silico analysis. Since supporting evidence is limited at this time, the clinical significance of this alteration remains unclear.

Labcorp Genetics (formerly Invitae), Labcorp
Classification: Uncertain significance for Dilated cardiomyopathy 1JJ. Last evaluated: 2025-10-07. Review status: criteria provided, single submitter. Criteria: Invitae Variant Classification Sherloc (09022015). Collection method: clinical testing. Allele origin: germline.
Comment: This sequence change replaces serine, which is neutral and polar, with phenylalanine, which is neutral and non-polar, at codon 678 of the LAMA4 protein (p.Ser678Phe). This variant is present in population databases (rs369776441, gnomAD 0.005%). This variant has not been reported in the literature in individuals affected with LAMA4-related conditions. ClinVar contains an entry for this variant (Variation ID: 858731). An algorithm developed to predict the effect of missense changes on protein structure and function (PolyPhen-2) suggests that this variant is likely to be tolerated. Algorithms developed to predict the effect of sequence changes on RNA splicing suggest that this variant may disrupt the consensus splice site. In summary, the available evidence is currently insufficient to determine the role of this variant in disease. Therefore, it has been classified as a Variant of Uncertain Significance.

Fulgent Genetics
Classification: Uncertain significance for Dilated cardiomyopathy 1JJ. Last evaluated: 2021-08-10. Review status: criteria provided, single submitter. Criteria: ACMG Guidelines, 2015. Collection method: clinical testing. Allele origin: unknown.

GeneDx
Classification: Uncertain significance. Last evaluated: 2019-04-04. Review status: criteria provided, single submitter. Criteria: GeneDx Variant Classification Process June 2021. Collection method: clinical testing. Allele origin: germline. Affected: yes.
Comment: In silico analysis, which includes protein predictors and evolutionary conservation, supports a deleterious effect; Has not been previously published as pathogenic or benign to our knowledge

Breakthrough Genomics
Classification: Uncertain significance. Review status: criteria provided, single submitter. Criteria: ACMG Guidelines, 2015. Collection method: not provided. Allele origin: germline. Inheritance: Autosomal dominant inheritance. Affected: yes.

NM_001105206.3(LAMA4):c.2054C>T (p.Ser685Phe)

Gene: LAMA4 (laminin subunit alpha 4; minus strand). Cytogenetic location: 6q21.
Variant type: single nucleotide variant.
Coding change: c.2054C>T on transcript NM_001105206.3 (MANE Select); coding-DNA position 2054, C replaced by T.
Protein change: p.Ser685Phe; replaces serine 685 with phenylalanine.
Molecular consequence: missense variant.
Genome position (GRCh38, 1-based): chr6:112,154,853, G>A on the plus strand (C>T on the coding strand, the complement: LAMA4 is on the minus strand). VCF-style: chr6-112154853-G-A. GRCh37 (hg19) VCF-style: chr6-112476055-G-A.
Other names: c.2033C>T, p.Ser678Phe (NM_001105207.3, NM_002290.5); short protein forms S678F, S685F.
Identifiers: ClinVar variation 858731 (VCV000858731.16), dbSNP rs369776441, ClinGen allele CA3965605.
Genomic context (GRCh38, chr6:112,154,853, plus strand): 5'-ATGAAAGGAGGGAAGCAGCTATAAATTAGAAAGGAGATAGGAAAGTGAAGATATTTACTA[G>A]ACTCTGCCTTTGCTTGCAGTTCTCTGGCTTGATTGAGGAGGTTCTCACTTTCATCTTTAT-3'
Protein context (NP_001098676.2, residues 675-695): QARELQAKAE[Ser685Phe]SSDEAVADTS